The following is an entry in ClinVar:

NM_018263.6(ASXL2):c.459A>G (p.Lys153=)

Gene: ASXL2 (ASXL transcriptional regulator 2; minus strand). Cytogenetic location: 2p23.3.
Variant type: single nucleotide variant.
Coding change: c.459A>G on transcript NM_018263.6 (MANE Select); coding-DNA position 459, A replaced by G.
Protein change: p.Lys153=; no amino-acid change (lysine 153 retained).
Molecular consequence: synonymous variant. On other transcripts: 5 prime UTR variant (1).
Genome position (GRCh38, 1-based): chr2:25,771,485, T>C on the plus strand (A>G on the coding strand, the complement: ASXL2 is on the minus strand). VCF-style: chr2-25771485-T-C. GRCh37 (hg19) VCF-style: chr2-25994354-T-C.
Other names: c.285A>G, p.Lys95= (NM_001369346.1); c.-322A>G (NM_001369347.1).
Identifiers: ClinVar variation 1994797 (VCV001994797.4), dbSNP rs2465343209, ClinGen allele CA425182287.

ClinVar aggregate classification (germline): Uncertain significance (1 of 4 stars; one submission).

Submission:

Labcorp Genetics (formerly Invitae), Labcorp
Classification: Uncertain significance. Last evaluated: 2022-05-15. Review status: criteria provided, single submitter. Criteria: Invitae Variant Classification Sherloc (09022015). Collection method: clinical testing. Allele origin: germline.
Comment: In summary, the available evidence is currently insufficient to determine the role of this variant in disease. Therefore, it has been classified as a Variant of Uncertain Significance. Algorithms developed to predict the effect of sequence changes on RNA splicing suggest that this variant may create or strengthen a splice site. This variant has not been reported in the literature in individuals affected with ASXL2-related conditions. This variant is not present in population databases (gnomAD no frequency). This sequence change affects codon 153 of the ASXL2 mRNA. It is a 'silent' change, meaning that it does not change the encoded amino acid sequence of the ASXL2 protein.